The following is an entry in ClinVar:

NM_014165.4(NDUFAF4):c.-59dup

Gene: NDUFAF4 (NADH:ubiquinone oxidoreductase complex assembly factor 4; minus strand). Cytogenetic location: 6q16.1.
Variant type: Duplication.
Coding change: c.-59dup on transcript NM_014165.4 (MANE Select); 59 bases upstream of the start codon, one base duplicated (T; older notation c.-59dupT).
Molecular consequence: 5 prime UTR variant.
Genome position (GRCh38, 1-based): chr6:96,897,860, A duplicated on the plus strand (T on the coding strand, the reverse complement: NDUFAF4 is on the minus strand); the first of 2 consecutive A bases (chr6:96,897,860-96,897,861); duplicating either gives the same sequence. VCF-style (leftmost placement, unchanged base first): chr6-96897859-C-CA. GRCh37 (hg19) VCF-style: chr6-97345735-C-CA.
Identifiers: ClinVar variation 1219368 (VCV001219368.30), dbSNP rs200056339, ClinGen allele CA144203233.

ClinVar aggregate classification (germline): Benign/Likely benign. Review status: criteria provided, multiple submitters, no conflicts (2 of 4 stars). 2 submissions from 2 submitters: Benign (1); Likely benign (1). Last evaluated 2023-05-01.

Submissions (2):

CeGaT Center for Human Genetics Tuebingen
Classification: Benign. Last evaluated: 2023-05-01. Review status: criteria provided, single submitter. Criteria: CeGaT Center For Human Genetics Tuebingen Variant Classification Criteria Version 2. Collection method: clinical testing. Allele origin: germline. Affected: yes. Observed: 3 variant alleles.
Comment: NDUFAF4: BS1, BS2

GeneDx
Classification: Likely benign. Last evaluated: 2018-06-29. Review status: criteria provided, single submitter. Criteria: GeneDx Variant Classification Process June 2021. Collection method: clinical testing. Allele origin: germline. Affected: yes.